The following is an entry in ClinVar:

ClinVar aggregate classification (germline): Uncertain significance. Review status: criteria provided, multiple submitters, no conflicts (2 of 4 stars). 2 submissions from 2 submitters: Uncertain significance (2). Last evaluated 2023-07-25.

Conditions:
Gorlin syndrome. Also called: Basal cell nevus syndrome; Nevoid Basal Cell Carcinoma Syndrome. Identifiers: Orphanet 377, MedGen C0004779, MONDO:0007187.

Allele frequency attached by ClinVar (database versions not stated): gnomAD exomes 0.00001; ExAC 0.00002; gnomAD 0.00003; TOPMed 0.00005.

Submissions (2):

Labcorp Genetics (formerly Invitae), Labcorp
Classification: Uncertain significance for Gorlin syndrome. Last evaluated: 2023-07-25. Review status: criteria provided, single submitter. Criteria: Invitae Variant Classification Sherloc (09022015). Collection method: clinical testing. Allele origin: germline.
Comment: In summary, the available evidence is currently insufficient to determine the role of this variant in disease. Therefore, it has been classified as a Variant of Uncertain Significance. Advanced modeling of protein sequence and biophysical properties (such as structural, functional, and spatial information, amino acid conservation, physicochemical variation, residue mobility, and thermodynamic stability) has been performed at Invitae for this missense variant, however the output from this modeling did not meet the statistical confidence thresholds required to predict the impact of this variant on PTCH2 protein function. ClinVar contains an entry for this variant (Variation ID: 2305124). This variant has not been reported in the literature in individuals affected with PTCH2-related conditions. This variant is present in population databases (rs767097059, gnomAD 0.01%). This sequence change replaces arginine, which is basic and polar, with tryptophan, which is neutral and slightly polar, at codon 92 of the PTCH2 protein (p.Arg92Trp).

Ambry Genetics
Classification: Uncertain significance. Last evaluated: 2022-08-02. Review status: criteria provided, single submitter. Criteria: Ambry Variant Classification Scheme 2023. Collection method: clinical testing. Allele origin: germline.

NM_003738.5(PTCH2):c.274C>T (p.Arg92Trp)

Gene: PTCH2 (patched 2; minus strand). Cytogenetic location: 1p34.1.
Variant type: single nucleotide variant.
Coding change: c.274C>T on transcript NM_003738.5 (MANE Select); coding-DNA position 274, C replaced by T.
Protein change: p.Arg92Trp; replaces arginine 92 with tryptophan.
Molecular consequence: missense variant.
Genome position (GRCh38, 1-based): chr1:44,832,333, G>A on the plus strand (C>T on the coding strand, the complement: PTCH2 is on the minus strand). VCF-style: chr1-44832333-G-A. GRCh37 (hg19) VCF-style: chr1-45298005-G-A.
Other names: c.274C>T, p.Arg92Trp (NM_001166292.2); short protein forms R92W.
Identifiers: ClinVar variation 2305124 (VCV002305124.5), dbSNP rs767097059, ClinGen allele CA823682.